The following is an entry in ClinVar:

ClinVar aggregate classification (germline): Uncertain significance (1 of 4 stars; one submission).

Allele frequency attached by ClinVar (database versions not stated): gnomAD exomes below 0.00001.
gnomAD v4.1: 1 of 1,613,294 alleles (0.000062%); highest among the groups gnomAD compares: Non-Finnish European, 0.000085%; no homozygotes.

Submission:

Labcorp Genetics (formerly Invitae), Labcorp
Classification: Uncertain significance. Last evaluated: 2026-01-24. Review status: criteria provided, single submitter. Criteria: Invitae Variant Classification Sherloc (09022015). Collection method: clinical testing. Allele origin: germline.
Comment: This sequence change replaces tyrosine, which is neutral and polar, with cysteine, which is neutral and slightly polar, at codon 1974 of the LRP2 protein (p.Tyr1974Cys). This variant is not present in population databases (gnomAD no frequency). This variant has not been reported in the literature in individuals affected with LRP2-related conditions. ClinVar contains an entry for this variant (Variation ID: 2857683). Invitae Evidence Modeling of protein sequence and biophysical properties (such as structural, functional, and spatial information, amino acid conservation, physicochemical variation, residue mobility, and thermodynamic stability) indicates that this missense variant is expected to disrupt LRP2 protein function with a positive predictive value of 80%. In summary, the available evidence is currently insufficient to determine the role of this variant in disease. Therefore, it has been classified as a Variant of Uncertain Significance.

NM_004525.3(LRP2):c.5921A>G (p.Tyr1974Cys)

Gene: LRP2 (LDL receptor related protein 2; minus strand). Cytogenetic location: 2q31.1.
Variant type: single nucleotide variant.
Coding change: c.5921A>G on transcript NM_004525.3 (MANE Select); coding-DNA position 5921, A replaced by G.
Protein change: p.Tyr1974Cys; replaces tyrosine 1974 with cysteine.
Molecular consequence: missense variant.
Genome position (GRCh38, 1-based): chr2:169,213,776, T>C on the plus strand (A>G on the coding strand, the complement: LRP2 is on the minus strand). VCF-style: chr2-169213776-T-C. GRCh37 (hg19) VCF-style: chr2-170070286-T-C.
Other names: short protein forms Y1974C.
Identifiers: ClinVar variation 2857683 (VCV002857683.3), dbSNP rs2545826021, ClinGen allele CA349133908.